The following is an entry in ClinVar:

NM_001048174.2(MUTYH):c.133G>A (p.Glu45Lys)

Gene: MUTYH (mutY DNA glycosylase; minus strand). Cytogenetic location: 1p34.1.
Variant type: single nucleotide variant.
Coding change: c.133G>A on transcript NM_001048174.2 (MANE Select); coding-DNA position 133, G replaced by A.
Protein change: p.Glu45Lys; replaces glutamic acid 45 with lysine.
Molecular consequence: missense variant. On other transcripts: non-coding transcript variant (2), intron variant (3), 5 prime UTR variant (1).
Genome position (GRCh38, 1-based): chr1:45,333,544, C>T on the plus strand (G>A on the coding strand, the complement: MUTYH is on the minus strand). VCF-style: chr1-45333544-C-T. GRCh37 (hg19) VCF-style: chr1-45799216-C-T.
Other names: c.-92-47G>A (NM_001350651.2); c.-97-47G>A (NM_001293192.2, NM_001293196.2); c.133G>A, p.Glu45Lys (NM_001048171.2, NM_001048173.2, NM_001293195.2); c.136G>A, p.Glu46Lys (NM_001048172.2); c.217G>A, p.Glu73Lys (NM_001128425.2); c.178G>A, p.Glu60Lys (NM_001293190.2); c.166G>A, p.Glu56Lys (NM_001293191.2); c.-139G>A (NM_001350650.2); and 1 more; short protein forms E73K, E46K, E56K, E60K, E45K, E70K.
Identifiers: ClinVar variation 419820 (VCV000419820.21), dbSNP rs1064794128, ClinGen allele CA16617168.

ClinVar aggregate classification (germline): Conflicting classifications of pathogenicity. Review status: criteria provided, conflicting classifications (1 of 4 stars). 6 submissions from 6 submitters: Uncertain significance (5); Likely benign (1). Last evaluated 2025-07-30.

Conditions:
Familial adenomatous polyposis 2. Also called: MUTYH-associated polyposis; MUTYH-related attenuated familial adenomatous polyposis; Adenomas, multiple colorectal; MYH-associated polyposis; MUTYH Polyposis; COLORECTAL ADENOMATOUS POLYPOSIS, AUTOSOMAL RECESSIVE. Identifiers: Orphanet 220460, Orphanet 247798, MedGen C3272841, MONDO:0012041, OMIM 608456.
Gastric cancer. Also called: Malignant tumor of stomach; Stomach cancer. Identifiers: MedGen C0024623, MeSH D013274, MONDO:0001056, OMIM 613659, HP:0012126.
Hereditary cancer-predisposing syndrome. Also called: Neoplastic Syndromes, Hereditary; Hereditary Cancer Syndrome; Hereditary neoplastic syndrome; Tumor predisposition. Identifiers: Orphanet 140162, MedGen C0027672, MeSH D009386, MONDO:0015356.

Allele frequency attached by ClinVar (database versions not stated): gnomAD exomes below 0.00001.
gnomAD v4.1: 1 of 1,614,020 alleles (0.000062%); highest among the groups gnomAD compares: Non-Finnish European, 0.000085%; no homozygotes.

Submissions (6):

Labcorp Genetics (formerly Invitae), Labcorp
Classification: Uncertain significance for Familial adenomatous polyposis 2. Last evaluated: 2025-07-30. Review status: criteria provided, single submitter. Criteria: Invitae Variant Classification Sherloc (09022015). Collection method: clinical testing. Allele origin: germline.
Comment: This sequence change replaces glutamic acid, which is acidic and polar, with lysine, which is basic and polar, at codon 73 of the MUTYH protein (p.Glu73Lys). This variant is not present in population databases (gnomAD no frequency). This variant has not been reported in the literature in individuals affected with MUTYH-related conditions. ClinVar contains an entry for this variant (Variation ID: 419820). An algorithm developed to predict the effect of missense changes on protein structure and function outputs the following: PolyPhen-2: "Benign". The lysine amino acid residue is found in multiple mammalian species, which suggests that this missense change does not adversely affect protein function. In summary, the available evidence is currently insufficient to determine the role of this variant in disease. Therefore, it has been classified as a Variant of Uncertain Significance.

Molecular Diagnostics Laboratory, Catalan Institute of Oncology
Classification: Uncertain significance for Hereditary cancer-predisposing syndrome. Last evaluated: 2025-06-04. Review status: criteria provided, single submitter. Criteria: ACMG Guidelines, 2015. Collection method: clinical testing. Allele origin: germline.
Comment: PM2_Supporting c.217G>A is located in exon 3 of the MUTYH gene, is a missense variant predicted to result in a substitution p.(Glu73Lys). It is not present in the population database gnomAD v2.1.1, non cancer dataset (PM2_Supporting). The REVEL meta-predictor score for this variant (0.028) suggests that it does not affect the protein function according Pejaver 2022 thresholds (PMID: 36413997) but the SpliceAI algorithm results in a non-informative deltascore (0.17) for the effect of this variant on splicing. To our knowledge, functional studies have not been reported for this variant. This variant has been reported in the ClinVar database (1x likely benign, 4x uncertain significance) but it has not been identified in LOVD database. Based on currently available information, the variant c.217G>A is classified as an uncertain significance variant according to ACMG guidelines.

Ambry Genetics
Classification: Likely benign for Hereditary cancer-predisposing syndrome. Last evaluated: 2024-04-30. Review status: criteria provided, single submitter. Criteria: Ambry Variant Classification Scheme 2023. Collection method: clinical testing. Allele origin: germline.

Fulgent Genetics
Classification: Uncertain significance for Familial adenomatous polyposis 2; Gastric cancer. Last evaluated: 2022-03-11. Review status: criteria provided, single submitter. Criteria: ACMG Guidelines, 2015. Collection method: clinical testing. Allele origin: unknown.

Color Diagnostics, LLC DBA Color Health
Classification: Uncertain significance for Hereditary cancer-predisposing syndrome. Last evaluated: 2020-07-21. Review status: criteria provided, single submitter. Criteria: ACMG Guidelines, 2015. Collection method: clinical testing. Allele origin: germline.
Comment: This missense variant replaces glutamic acid with lysine at codon 73 of the MUTYH protein. This variant is also known as c.175G>A (p.Glu59Pro) based on an alternative transcript (NM_001048171). Computational prediction suggests that this variant may not impact protein structure and function (internally defined REVEL score threshold <= 0.5, PMID: 27666373). To our knowledge, functional studies have not been reported for this variant. This variant has not been reported in individuals affected with hereditary cancer in the literature. This variant has not been identified in the general population by the Genome Aggregation Database (gnomAD). The available evidence is insufficient to determine the role of this variant in disease conclusively. Therefore, this variant is classified as a Variant of Uncertain Significance.

GeneDx
Classification: Uncertain significance. Last evaluated: 2016-11-02. Review status: criteria provided, single submitter. Criteria: GeneDx Variant Classification (06012015). Collection method: clinical testing. Allele origin: germline. Affected: yes.
Comment: This variant is denoted MUTYH c.217G>A at the cDNA level, p.Glu73Lys (E73K) at the protein level, and results in the change of a Glutamic Acid to a Lysine (GAA>AAA). This variant has not, to our knowledge, been published in the literature as pathogenic or benign. MUTYH Glu73Lys was not observed in approximately 6,500 individuals of European and African American ancestry in the NHLBI Exome Sequencing Project, indicating it is not a common benign variant in these populations. Since Glutamic Acid and Lysine differ in polarity, charge, size or other properties, this is considered a non-conservative amino acid substitution. MUTYH Glu73Lys occurs at a position that is not conserved and is not located in a known functional domain (Ruggieri 2013). In silico analyses are inconsistent regarding the effect this variant may have on protein structure or function. Based on currently available information, it is unclear whether MUTYH Glu73Lys is pathogenic or benign. We consider it to be a variant of uncertain significance. Of note, MUTYH-Associated Polyposis (MAP) is a recessive condition associated with two pathogenic variants on opposite chromosomes in MUTYH.